The following is an entry in ClinVar:

NM_001365951.3(KIF1B):c.2096T>A (p.Leu699His)

Gene: KIF1B (kinesin family member 1B; plus strand). Cytogenetic location: 1p36.22.
Variant type: single nucleotide variant.
Coding change: c.2096T>A on transcript NM_001365951.3 (MANE Select); coding-DNA position 2096, T replaced by A.
Protein change: p.Leu699His; replaces leucine 699 with histidine.
Molecular consequence: missense variant.
Genome position (GRCh38, 1-based): chr1:10,297,227, T>A. VCF-style: chr1-10297227-T-A. GRCh37 (hg19) VCF-style: chr1-10357285-T-A.
Other names: c.2096T>A, p.Leu699His (NM_001365952.1); c.1958T>A, p.Leu653His (NM_001365953.1, NM_015074.3, NM_183416.4); short protein forms L699H, L653H.
Identifiers: ClinVar variation 1783358 (VCV001783358.2), dbSNP rs2521404773, ClinGen allele CA338317967.

ClinVar aggregate classification (germline): Uncertain significance (1 of 4 stars; one submission).

Submission:

Ambry Genetics
Classification: Uncertain significance. Last evaluated: 2022-08-23. Review status: criteria provided, single submitter. Criteria: Ambry Variant Classification Scheme 2023. Collection method: clinical testing. Allele origin: germline.
Comment: The p.L653H variant (also known as c.1958T>A), located in coding exon 19 of the KIF1B gene, results from a T to A substitution at nucleotide position 1958. The leucine at codon 653 is replaced by histidine, an amino acid with similar properties. This amino acid position is conserved. In addition, this alteration is predicted to be deleterious by in silico analysis. Since supporting evidence is limited at this time, the clinical significance of this alteration remains unclear.